The following is an entry in ClinVar:

ClinVar aggregate classification (germline): Conflicting classifications of pathogenicity. Review status: criteria provided, conflicting classifications (1 of 4 stars). 6 submissions from 6 submitters: Pathogenic (2); Likely pathogenic (3); Uncertain significance (1). Last evaluated 2026-09-17.

Conditions:
Cardiovascular phenotype. Identifiers: MedGen CN230736.
Cardiomyopathy (CMYO). Also called: Cardiomyopathies. Identifiers: Orphanet 167848, MedGen C0878544, MONDO:0004994, HP:0001638. Inheritance: Various modes of inheritance.
Arrhythmogenic right ventricular dysplasia 10. Also called: ARRHYTHMOGENIC RIGHT VENTRICULAR DYSPLASIA, FAMILIAL, 10; Arrhythmogenic Right Ventricular Dysplasia/Cardiomyopathy10; Arrhythmogenic right ventricular dysplasia/cardiomyopathy, type 10. Identifiers: MedGen C1857777, MONDO:0012434, OMIM 610193.

Submissions (6):

GeneDx
Classification: Likely pathogenic. Last evaluated: 2026-09-17. Review status: criteria provided, single submitter. Criteria: GeneDx Variant Classification Process June 2021. Collection method: clinical testing. Allele origin: germline.
Comment: Frameshift variant predicted to result in protein truncation or nonsense mediated decay in a gene for which loss of function is a known mechanism of disease; Reported in an individual with history of heart transplant due to heart failure with reduced ejection fraction and biventricular hypokinesis (PMID: 36136372); Not observed at significant frequency in large population cohorts (gnomAD); This variant is associated with the following publications: (PMID: 33087929, 31638835, 37937776, 36136372)

Labcorp Genetics (formerly Invitae), Labcorp
Classification: Pathogenic for Arrhythmogenic right ventricular dysplasia 10. Last evaluated: 2026-01-19. Review status: criteria provided, single submitter. Criteria: Invitae Variant Classification Sherloc (09022015). Collection method: clinical testing. Allele origin: germline.
Comment: This sequence change creates a premature translational stop signal (p.Glu339Lysfs*2) in the DSG2 gene. It is expected to result in an absent or disrupted protein product. Loss-of-function variants in DSG2 are known to be pathogenic (PMID: 17105751, 31386562). This variant is not present in population databases (gnomAD no frequency). This variant has not been reported in the literature in individuals affected with DSG2-related conditions. ClinVar contains an entry for this variant (Variation ID: 199825). Algorithms developed to predict the effect of sequence changes on RNA splicing suggest that this variant may disrupt the consensus splice site. For these reasons, this variant has been classified as Pathogenic.

Color Diagnostics, LLC DBA Color Health
Classification: Uncertain significance for Cardiomyopathy. Last evaluated: 2025-09-22. Review status: criteria provided, single submitter. Criteria: ACMG Guidelines, 2015. Collection method: clinical testing. Allele origin: germline.
Comment: This variant results in a deletion of one nucleotide in exon 9 of the DSG2 gene, creating a frameshift and premature translation stop signal. This variant is expected to result in an absent or non-functional protein product. This variant has not been reported in individuals affected with DSG2-related disorders in the literature. This variant has not been identified in the general population by the Genome Aggregation Database (gnomAD). The role of loss-of-function DSG2 truncation variants in autosomal dominant cardiovascular disorders is not clearly understood. The available evidence is insufficient to determine the role of this variant in disease conclusively. Therefore, this variant is classified as a Variant of Uncertain Significance.

Mayo Clinic Laboratories, Mayo Clinic
Classification: Likely pathogenic. Last evaluated: 2025-01-09. Review status: criteria provided, single submitter. Criteria: ACMG Guidelines, 2015. Collection method: clinical testing. Allele origin: germline. Observed: 1 variant allele.
Comment: PM2_supporting, PS4_supporting, PVS1

AiLife Diagnostics
Classification: Likely pathogenic. Last evaluated: 2021-11-09. Review status: criteria provided, single submitter. Criteria: ACMG Guidelines, 2015. Collection method: clinical testing. Allele origin: germline. Affected: yes. Observed: 1 variant allele.

Ambry Genetics
Classification: Pathogenic for Cardiovascular phenotype. Last evaluated: 2020-08-19. Review status: criteria provided, single submitter. Criteria: Ambry General Variant Classification Scheme_2022. Collection method: clinical testing. Allele origin: germline. Observed: 1 variant allele.
Comment: The c.1015delG mutation, located in coding exon 9 of the DSG2 gene, results from a deletion of one nucleotide at nucleotide position 1015, causing a translational frameshift with a predicted alternate stop codon (p.E339Kfs*2). This alteration is expected to result in loss of function by premature protein truncation or nonsense-mediated mRNA decay. As such, this alteration is interpreted as a disease-causing mutation.

Literature cited by the submitters: PubMed 17105751 (cited by Labcorp Genetics (formerly Invitae), Labcorp and Mayo Clinic Laboratories, Mayo Clinic); PubMed 31386562 (cited by Labcorp Genetics (formerly Invitae), Labcorp and Mayo Clinic Laboratories, Mayo Clinic); PubMed 31638835 (cited by Mayo Clinic Laboratories, Mayo Clinic and AiLife Diagnostics); PubMed 33087929 (cited by Mayo Clinic Laboratories, Mayo Clinic and AiLife Diagnostics); PubMed 36136372 (cited by Mayo Clinic Laboratories, Mayo Clinic); PubMed 37937776 (cited by Mayo Clinic Laboratories, Mayo Clinic).

NM_001943.5(DSG2):c.1015del

Gene: DSG2 (desmoglein 2; plus strand). Cytogenetic location: 18q12.1.
Variant type: Deletion.
Coding change: c.1015del on transcript NM_001943.5 (MANE Select); coding-DNA position 1015, one base deleted (G; older notation c.1015delG).
Molecular consequence: splice acceptor variant.
Genome position (GRCh38, 1-based): chr18:31,530,987, G deleted; the last of 2 consecutive G bases (chr18:31,530,986-31,530,987); deleting either gives the same sequence. VCF-style (leftmost placement, unchanged base first): chr18-31530985-AG-A. GRCh37 (hg19) VCF-style: chr18-29110948-AG-A.
Other names: p.Glu339Lysfs*2; c.1015del (NM_001943.3).
Identifiers: ClinVar variation 199825 (VCV000199825.13), dbSNP rs794728094, ClinGen allele CA021247.